The following is an entry in ClinVar:

ClinVar aggregate classification (germline): Uncertain significance (1 of 4 stars; one submission).

Conditions:
Inborn genetic diseases. Identifiers: MedGen C0950123, MeSH D030342.

Submission:

Ambry Genetics
Classification: Uncertain significance for Inborn genetic diseases. Last evaluated: 2024-12-04. Review status: criteria provided, single submitter. Criteria: Ambry Variant Classification Scheme 2023. Collection method: clinical testing. Allele origin: germline.
Comment: The p.A191P variant (also known as c.571G>C), located in coding exon 3 of the KDM1A gene, results from a G to C substitution at nucleotide position 571. The alanine at codon 191 is replaced by proline, an amino acid with highly similar properties. This amino acid position is conserved. In addition, this alteration is predicted to be tolerated by in silico analysis. Based on the available evidence, the clinical significance of this variant remains unclear.

NM_001009999.3(KDM1A):c.571G>C (p.Ala191Pro)

Gene: KDM1A (lysine demethylase 1A; plus strand). Cytogenetic location: 1p36.12.
Variant type: single nucleotide variant.
Coding change: c.571G>C on transcript NM_001009999.3 (MANE Select); coding-DNA position 571, G replaced by C.
Protein change: p.Ala191Pro; replaces alanine 191 with proline.
Molecular consequence: missense variant. On other transcripts: intron variant (3).
Genome position (GRCh38, 1-based): chr1:23,044,480, G>C. VCF-style: chr1-23044480-G-C. GRCh37 (hg19) VCF-style: chr1-23370973-G-C.
Other names: c.571G>C, p.Ala191Pro (NM_001410762.1); c.518-5907G>C (NM_001363654.2, NM_001410763.1, NM_015013.4); short protein forms A191P.
Identifiers: ClinVar variation 3532965 (VCV003532965.1).